The following is an entry in ClinVar:

ClinVar aggregate classification (germline): Pathogenic (0 of 4 stars; one submission).

Conditions:
Intellectual disability-craniodigital syndrome.

Submission:

Cologne Center for Genomics, Faculty of Medicine, University of Cologne
Classification: Pathogenic for Intellectual disability-craniodigital syndrome. Last evaluated: 2022-04-11. Review status: no assertion criteria provided. Collection method: research. Allele origin: de novo. Inheritance: Sporadic. Affected: yes.
Comment: New intellectual disability-craniodigital syndrome

NM_001320.7(CSNK2B):c.94G>C (p.Asp32His)

Gene: CSNK2B (casein kinase 2 beta; plus strand). Cytogenetic location: 6p21.33.
Variant type: single nucleotide variant.
Coding change: c.94G>C on transcript NM_001320.7 (MANE Select); coding-DNA position 94, G replaced by C.
Protein change: p.Asp32His; replaces aspartic acid 32 with histidine.
Molecular consequence: missense variant.
Genome position (GRCh38, 1-based): chr6:31,667,889, G>C. VCF-style: chr6-31667889-G-C. GRCh37 (hg19) VCF-style: chr6-31635666-G-C.
Other names: c.94G>C, p.Asp32His (NM_001282385.2); short protein forms D32H.
Identifiers: ClinVar variation 1676324 (VCV001676324.3), dbSNP rs1554169984, ClinGen allele CA363471807.